The following is an entry in ClinVar:

ClinVar aggregate classification (germline): Likely benign (1 of 4 stars; one submission).

Conditions:
SIX5-related disorder. Also called: SIX5-related condition.

gnomAD v4.1: 8 of 1,529,238 alleles (0.00052%); highest among the groups gnomAD compares: South Asian, 0.0048%; no homozygotes.

Submission:

PreventionGenetics, part of Exact Sciences
Classification: Likely benign for SIX5-related condition. Last evaluated: 2025-12-01. Review status: criteria provided, single submitter. Criteria: ACMG Guidelines, 2015. Collection method: clinical testing. Allele origin: germline.
Comment: This variant is classified as likely benign based on ACMG/AMP sequence variant interpretation guidelines (Richards et al. 2015 PMID: 25741868, with internal and published modifications).

NM_175875.5(SIX5):c.-10G>A

Genes: DM1-AS (DM1 locus antisense RNA; plus strand), SIX5 (SIX homeobox 5; minus strand), LOC107075317 (origin of replication in DMPK trinucleotide repeat region; plus strand). Cytogenetic location: 19q13.32.
Variant type: single nucleotide variant.
Coding change: c.-10G>A on transcript NM_175875.5 (MANE Select); 10 bases upstream of the start codon, G replaced by A.
Molecular consequence: 5 prime UTR variant.
Genome position (GRCh38, 1-based): chr19:45,768,854, C>T on the plus strand (G>A on the coding strand, the complement: SIX5 is on the minus strand). VCF-style: chr19-45768854-C-T. GRCh37 (hg19) VCF-style: chr19-46272112-C-T.
Identifiers: ClinVar variation 4999375 (VCV004999375.1).